The following is an entry in ClinVar:

NM_003403.5(YY1):c.674C>T (p.Ser225Phe)

Genes: YY1 (YY1 transcription factor; plus strand), LOC130056454 (ATAC-STARR-seq lymphoblastoid active region 9030; plus strand). Cytogenetic location: 14q32.2.
Variant type: single nucleotide variant.
Coding change: c.674C>T on transcript NM_003403.5 (MANE Select); coding-DNA position 674, C replaced by T.
Protein change: p.Ser225Phe; replaces serine 225 with phenylalanine.
Molecular consequence: missense variant.
Genome position (GRCh38, 1-based): chr14:100,239,918, C>T. VCF-style: chr14-100239918-C-T. GRCh37 (hg19) VCF-style: chr14-100706255-C-T.
Other names: short protein forms S225F.
Identifiers: ClinVar variation 2442758 (VCV002442758.1), dbSNP rs2549127562, ClinGen allele CA390973060.

ClinVar aggregate classification (germline): Uncertain significance (1 of 4 stars; one submission).

Submission:

GeneDx
Classification: Uncertain significance. Last evaluated: 2022-08-30. Review status: criteria provided, single submitter. Criteria: GeneDx Variant Classification Process June 2021. Collection method: clinical testing. Allele origin: germline. Affected: yes.
Comment: Not observed at significant frequency in large population cohorts (gnomAD); In silico analysis supports that this missense variant has a deleterious effect on protein structure/function; Has not been previously published as pathogenic or benign to our knowledge